The following is an entry in ClinVar:

ClinVar aggregate classification (germline): Uncertain significance. Review status: criteria provided, multiple submitters, no conflicts (2 of 4 stars). 3 submissions from 3 submitters: Uncertain significance (3). Last evaluated 2025-08-05.

Allele frequency attached by ClinVar (database versions not stated): gnomAD exomes 0.00001; ExAC 0.00002; gnomAD 0.00004; TOPMed 0.00004.
gnomAD v4.1: 15 of 1,614,090 alleles (0.00093%); highest among the groups gnomAD compares: African/African-American, 0.011%; no homozygotes.

Submissions (3):

Ambry Genetics
Classification: Uncertain significance. Last evaluated: 2025-08-05. Review status: criteria provided, single submitter. Criteria: Ambry Variant Classification Scheme 2023. Collection method: clinical testing. Allele origin: germline.

Labcorp Genetics (formerly Invitae), Labcorp
Classification: Uncertain significance. Last evaluated: 2022-07-30. Review status: criteria provided, single submitter. Criteria: Invitae Variant Classification Sherloc (09022015). Collection method: clinical testing. Allele origin: germline.
Comment: This sequence change replaces arginine, which is basic and polar, with glutamine, which is neutral and polar, at codon 853 of the DHX38 protein (p.Arg853Gln). This variant is present in population databases (rs781742789, gnomAD 0.02%). This variant has not been reported in the literature in individuals affected with DHX38-related conditions. Algorithms developed to predict the effect of missense changes on protein structure and function are either unavailable or do not agree on the potential impact of this missense change (SIFT: "Deleterious"; PolyPhen-2: "Probably Damaging"; Align-GVGD: "Class C0"). In summary, the available evidence is currently insufficient to determine the role of this variant in disease. Therefore, it has been classified as a Variant of Uncertain Significance.

Blueprint Genetics
Classification: Uncertain significance. Last evaluated: 2019-10-04. Review status: criteria provided, single submitter. Criteria: ACMG Guidelines, 2015. Collection method: clinical testing. Allele origin: germline.

NM_014003.4(DHX38):c.2558G>A (p.Arg853Gln)

Gene: DHX38 (DEAH-box helicase 38; plus strand). Cytogenetic location: 16q22.2.
Variant type: single nucleotide variant.
Coding change: c.2558G>A on transcript NM_014003.4 (MANE Select); coding-DNA position 2558, G replaced by A.
Protein change: p.Arg853Gln; replaces arginine 853 with glutamine.
Molecular consequence: missense variant.
Genome position (GRCh38, 1-based): chr16:72,106,075, G>A. VCF-style: chr16-72106075-G-A. GRCh37 (hg19) VCF-style: chr16-72139974-G-A.
Other names: c.2558G>A (NM_014003.3); short protein forms R853Q.
Identifiers: ClinVar variation 1973530 (VCV001973530.4), dbSNP rs781742789, ClinGen allele CA8160697.